The following is an entry in ClinVar:

NM_001458.5(FLNC):c.4056C>T (p.Arg1352=)

Gene: FLNC (filamin C; plus strand). Cytogenetic location: 7q32.1.
Variant type: single nucleotide variant.
Coding change: c.4056C>T on transcript NM_001458.5 (MANE Select); coding-DNA position 4056, C replaced by T.
Protein change: p.Arg1352=; no amino-acid change (arginine 1352 retained).
Molecular consequence: synonymous variant.
Genome position (GRCh38, 1-based): chr7:128,846,392, C>T. VCF-style: chr7-128846392-C-T. GRCh37 (hg19) VCF-style: chr7-128486446-C-T.
Other names: p.Arg1352=; c.4056C>T, p.Arg1352= (NM_001127487.2).
Identifiers: ClinVar variation 129089 (VCV000129089.28), dbSNP rs75770585, ClinGen allele CA152859.

ClinVar aggregate classification (germline): Benign. Review status: criteria provided, multiple submitters, no conflicts (2 of 4 stars). 13 submissions from 13 submitters: Benign (11). 2 of the submissions do not count toward it. Last evaluated 2026-02-04.

Conditions:
Distal myopathy with posterior leg and anterior hand involvement. Also called: WILLIAMS DISTAL MYOPATHY. Identifiers: Orphanet 63273, MedGen C3279722, MONDO:0013550, OMIM 614065.
Myofibrillar myopathy 5. Also called: Filaminopathy (type); FILAMINOPATHY, AUTOSOMAL DOMINANT. Identifiers: Orphanet 171445, MedGen C1836050, MONDO:0012289, OMIM 609524.
Hypertrophic cardiomyopathy 26. Also called: Cardiomyopathy, familial hypertrophic, 26. Identifiers: Orphanet 75249, MedGen C4310749, MONDO:0014883, OMIM 617047.
Cardiovascular phenotype. Identifiers: MedGen CN230736.

Allele frequency attached by ClinVar (database versions not stated): gnomAD 0.08775 and 0.09029; gnomAD exomes 0.08876; ExAC 0.08948; TOPMed 0.10168; 1000 Genomes Project 0.16054; 1000 Genomes Project 30x 0.16255; ESP Exome Variant Server 0.07952.
gnomAD v4.1: 91,056 of 1,611,006 alleles (5.7%); highest among the groups gnomAD compares: East Asian, 30%; 5,177 homozygotes.

Submissions (13):

Labcorp Genetics (formerly Invitae), Labcorp
Classification: Benign for Distal myopathy with posterior leg and anterior hand involvement; Myofibrillar myopathy 5; Hypertrophic cardiomyopathy 26. Last evaluated: 2026-02-04. Review status: criteria provided, single submitter. Criteria: Invitae Variant Classification Sherloc (09022015). Collection method: clinical testing. Allele origin: germline.

Molecular Diagnostic Laboratory for Inherited Cardiovascular Disease, Montreal Heart Institute
Classification: Benign. Last evaluated: 2025-04-09. Review status: criteria provided, single submitter. Criteria: ACMG Guidelines, 2015. Collection method: clinical testing. Allele origin: germline. Affected: no.

Women's Health and Genetics/Laboratory Corporation of America, LabCorp
Classification: Benign. Last evaluated: 2023-04-10. Review status: criteria provided, single submitter. Criteria: LabCorp Variant Classification Summary - May 2015. Collection method: clinical testing. Allele origin: germline.

Mayo Clinic Laboratories, Mayo Clinic
Classification: Benign. Last evaluated: 2022-04-26. Review status: criteria provided, single submitter. Criteria: ACMG Guidelines, 2015. Collection method: clinical testing. Allele origin: germline. Observed: 224 variant alleles.

Ambry Genetics
Classification: Benign for Cardiovascular phenotype. Last evaluated: 2018-12-24. Review status: criteria provided, single submitter. Criteria: Ambry Variant Classification Scheme 2023. Collection method: clinical testing. Allele origin: germline.

Athena Diagnostics
Classification: Benign. Last evaluated: 2017-12-13. Review status: criteria provided, single submitter. Criteria: Athena Diagnostics Criteria. Collection method: clinical testing. Allele origin: germline.

GeneDx
Classification: Benign. Last evaluated: 2016-02-12. Review status: criteria provided, single submitter. Criteria: GeneDx Variant Classification (06012015). Collection method: clinical testing. Allele origin: germline. Affected: yes.
Comment: This variant is considered likely benign or benign based on one or more of the following criteria: it is a conservative change, it occurs at a poorly conserved position in the protein, it is predicted to be benign by multiple in silico algorithms, and/or has population frequency not consistent with disease.

Laboratory for Molecular Medicine, Mass General Brigham Personalized Medicine
Classification: Benign. Last evaluated: 2015-01-13. Review status: criteria provided, single submitter. Criteria: LMM Criteria. Collection method: clinical testing. Allele origin: germline. Observed: 4 variant alleles.
Comment: p.Arg1352Arg in exon 23 of FLNC: This variant is not expected to have clinical s ignificance because it does not alter an amino acid residue and is not located w ithin the splice consensus sequence. It has been identified in 15.9% (661/4150) of African American chromosomes from a broad population by the NHLBI Exome Seque ncing Project (dbSNP rs75770585).

Genetic Services Laboratory, University of Chicago
Classification: Benign for AllHighlyPenetrant. Last evaluated: 2013-08-15. Review status: criteria provided, single submitter. Criteria: ACMG Guidelines, 2007. Collection method: clinical testing. Allele origin: germline. Inheritance: Autosomal dominant inheritance.

Breakthrough Genomics
Classification: Benign. Review status: criteria provided, single submitter. Criteria: ACMG Guidelines, 2015. Collection method: not provided. Allele origin: germline. Inheritance: Autosomal dominant inheritance. Affected: yes.

PreventionGenetics, part of Exact Sciences
Classification: Benign. Review status: criteria provided, single submitter. Criteria: ACMG Guidelines, 2015. Collection method: clinical testing. Allele origin: germline.

Clinical Genetics, Academic Medical Center
Classification: Benign. Review status: no assertion criteria provided. Collection method: clinical testing. Allele origin: germline. Affected: yes. Study: VKGL Data-share Consensus. Not counted in ClinVar's aggregate classification.

Joint Genome Diagnostic Labs from Nijmegen and Maastricht, Radboudumc and MUMC+
Classification: Benign. Review status: no assertion criteria provided. Collection method: clinical testing. Allele origin: germline. Affected: yes. Study: VKGL Data-share Consensus. Not counted in ClinVar's aggregate classification.